The following is an entry in ClinVar:

NM_033056.4(PCDH15):c.5805G>T (p.Gly1935=)

Gene: PCDH15 (protocadherin related 15; minus strand). Cytogenetic location: 10q21.1.
Variant type: single nucleotide variant.
Coding change: c.5805G>T on transcript NM_033056.4 (MANE Plus Clinical); coding-DNA position 5805, G replaced by T.
Protein change: p.Gly1935=; no amino-acid change (glycine 1935 retained).
Molecular consequence: synonymous variant. On other transcripts: intron variant (8).
Genome position (GRCh38, 1-based): chr10:53,821,921, C>A on the plus strand (G>T on the coding strand, the complement: PCDH15 is on the minus strand). VCF-style: chr10-53821921-C-A. GRCh37 (hg19) VCF-style: chr10-55581681-C-A.
Other names: c.5826G>T, p.Gly1942= (NM_001142763.2); c.5811G>T, p.Gly1937= (NM_001142764.2); c.5598G>T, p.Gly1866= (NM_001142765.2); c.5796G>T, p.Gly1932= (NM_001142766.2); c.5685G>T, p.Gly1895= (NM_001142767.2); c.5745G>T, p.Gly1915= (NM_001142768.2); c.5736G>T, p.Gly1912= (NM_001142773.2); c.5739G>T, p.Gly1913= (NM_001354404.2); and 7 more.
Identifiers: ClinVar variation 167424 (VCV000167424.15), dbSNP rs727504069, ClinGen allele CA234496.

ClinVar aggregate classification (germline): Conflicting classifications of pathogenicity. Review status: criteria provided, conflicting classifications (1 of 4 stars). 5 submissions from 5 submitters: Uncertain significance (1); Likely benign (3). 1 of the submissions does not count toward it. Last evaluated 2024-12-12.

Conditions:
PCDH15-related disorder. Also called: PCDH15-related condition; PCDH15-related disorders.

Allele frequency attached by ClinVar (database versions not stated): gnomAD exomes below 0.00001 and 0.00001; TOPMed 0.00002; gnomAD 0.00001; ExAC 0.00002.
gnomAD v4.1: 9 of 1,613,538 alleles (0.00056%); highest among the groups gnomAD compares: East Asian, 0.011%; no homozygotes.

Submissions (5):

Labcorp Genetics (formerly Invitae), Labcorp
Classification: Likely benign. Last evaluated: 2024-12-12. Review status: criteria provided, single submitter. Criteria: Invitae Variant Classification Sherloc (09022015). Collection method: clinical testing. Allele origin: germline.

Blueprint Genetics
Classification: Likely benign. Last evaluated: 2024-10-28. Review status: criteria provided, single submitter. Criteria: ACMG Guidelines, 2015. Collection method: clinical testing. Allele origin: germline.

GeneDx
Classification: Likely benign. Last evaluated: 2019-11-01. Review status: criteria provided, single submitter. Criteria: GeneDx Variant Classification Process June 2021. Collection method: clinical testing. Allele origin: germline. Affected: yes.

Eurofins Ntd Llc (ga)
Classification: Uncertain significance. Last evaluated: 2014-01-30. Review status: criteria provided, single submitter. Criteria: EGL Classification Definitions 2015. Collection method: clinical testing. Allele origin: germline. Observed: 1 variant allele, 1 heterozygote.

PreventionGenetics, part of Exact Sciences
Classification: Likely benign for PCDH15-related condition. Last evaluated: 2024-04-16. Review status: no assertion criteria provided. Collection method: clinical testing. Allele origin: germline. Not counted in ClinVar's aggregate classification.
Comment: This variant is classified as likely benign based on ACMG/AMP sequence variant interpretation guidelines (Richards et al. 2015 PMID: 25741868, with internal and published modifications).